The following is an entry in ClinVar:

NM_207122.2(EXT2):c.979G>C (p.Gly327Arg)

Gene: EXT2 (exostosin glycosyltransferase 2; plus strand). Cytogenetic location: 11p11.2.
Variant type: single nucleotide variant.
Coding change: c.979G>C on transcript NM_207122.2 (MANE Select); coding-DNA position 979, G replaced by C.
Protein change: p.Gly327Arg; replaces glycine 327 with arginine.
Molecular consequence: missense variant.
Genome position (GRCh38, 1-based): chr11:44,126,855, G>C. VCF-style: chr11-44126855-G-C. GRCh37 (hg19) VCF-style: chr11-44148405-G-C.
Other names: c.1078G>C, p.Gly360Arg (NM_000401.3); c.979G>C, p.Gly327Arg (NM_001178083.3, NM_001389628.1, NM_001389630.1); short protein forms G327R, G360R.
Identifiers: ClinVar variation 1307214 (VCV001307214.5), dbSNP rs200427972, ClinGen allele CA221467994.
Genomic context (GRCh38, chr11:44,126,855, plus strand): 5'-TGCCTCTTTGTGTTCCTGCAGGAGGCTACTTTCTGTGTGGTTCTTCGTGGAGCTCGGCTG[G>C]GCCAGGCAGTATTGAGCGATGTGTTACAAGCTGGCTGTGTCCCGGTTGTCATTGCAGACT-3'
Protein context (NP_997005.1, residues 317-337): FCVVLRGARL[Gly327Arg]QAVLSDVLQA

ClinVar aggregate classification (germline): Uncertain significance. Review status: criteria provided, multiple submitters, no conflicts (2 of 4 stars). 4 submissions from 4 submitters: Uncertain significance (4). Last evaluated 2025-06-20.

Conditions:
Exostoses, multiple, type 2 (EXT2). Also called: Hereditary Multiple Osteochondromatosis, Type II; EXOSTOSES, MULTIPLE, TYPE II. Identifiers: Orphanet 321, MedGen C1851413, MONDO:0007586, OMIM 133701.
Inborn genetic diseases. Identifiers: MedGen C0950123, MeSH D030342.

gnomAD v4.1: 55 of 1,613,968 alleles (0.0034%); highest among the groups gnomAD compares: Non-Finnish European, 0.0045%; no homozygotes.

Submissions (4):

Labcorp Genetics (formerly Invitae), Labcorp
Classification: Uncertain significance for Exostoses, multiple, type 2. Last evaluated: 2025-06-20. Review status: criteria provided, single submitter. Criteria: Invitae Variant Classification Sherloc (09022015). Collection method: clinical testing. Allele origin: germline.
Comment: This sequence change replaces glycine, which is neutral and non-polar, with arginine, which is basic and polar, at codon 327 of the EXT2 protein (p.Gly327Arg). This variant is present in population databases (rs200427972, gnomAD 0.007%). This variant has not been reported in the literature in individuals affected with EXT2-related conditions. ClinVar contains an entry for this variant (Variation ID: 1307214). Invitae Evidence Modeling of protein sequence and biophysical properties (such as structural, functional, and spatial information, amino acid conservation, physicochemical variation, residue mobility, and thermodynamic stability) indicates that this missense variant is expected to disrupt EXT2 protein function with a positive predictive value of 95%. In summary, the available evidence is currently insufficient to determine the role of this variant in disease. Therefore, it has been classified as a Variant of Uncertain Significance.

St. Jude Molecular Pathology, St. Jude Children's Research Hospital
Classification: Uncertain significance for Exostoses, multiple, type 2. Last evaluated: 2024-12-30. Review status: criteria provided, single submitter. Criteria: St. Jude Assertion Criteria 2020. Collection method: clinical testing. Allele origin: germline.
Comment: The EXT2 c.1078G>C (p.Gly360Arg) missense change has a maximum subpopulation frequency of 0.0062% in gnomAD v2.1.1. The in silico tool REVEL predicts a deleterious effect on protein function, but to our knowledge this prediction has not been confirmed by functional studies. To our knowledge, this variant has not been reported in individuals with hereditary multiple exostoses In summary, the evidence currently available is insufficient to determine the clinical significance of this variant. It has therefore been classified as of uncertain significance.

Ambry Genetics
Classification: Uncertain significance for Inborn genetic diseases. Last evaluated: 2024-05-01. Review status: criteria provided, single submitter. Criteria: Ambry Variant Classification Scheme 2023. Collection method: clinical testing. Allele origin: germline.

GeneDx
Classification: Uncertain significance. Last evaluated: 2019-07-31. Review status: criteria provided, single submitter. Criteria: GeneDx Variant Classification Process June 2021. Collection method: clinical testing. Allele origin: germline. Affected: yes.
Comment: Has not been previously published as pathogenic or benign to our knowledge; In silico analysis, which includes protein predictors and evolutionary conservation, supports a deleterious effect